The following is an entry in ClinVar:

NM_012250.6(RRAS2):c.258C>T (p.Gly86=)

Gene: RRAS2 (RAS related 2; minus strand). Cytogenetic location: 11p15.2.
Variant type: single nucleotide variant.
Coding change: c.258C>T on transcript NM_012250.6 (MANE Select); coding-DNA position 258, C replaced by T.
Protein change: p.Gly86=; no amino-acid change (glycine 86 retained).
Molecular consequence: synonymous variant.
Genome position (GRCh38, 1-based): chr11:14,294,801, G>A on the plus strand (C>T on the coding strand, the complement: RRAS2 is on the minus strand). VCF-style: chr11-14294801-G-A. GRCh37 (hg19) VCF-style: chr11-14316347-G-A.
Other names: c.27C>T, p.Gly9= (NM_001102669.3, NM_001177315.2); c.153C>T, p.Gly51= (NM_001177314.2).
Identifiers: ClinVar variation 3032887 (VCV003032887.3), dbSNP rs782492074, ClinGen allele CA5894325.
Genomic context (GRCh38, chr11:14,294,801, plus strand): 5'-ATTCTAATATGGTACAAACCTGCCTCTATCTGTGACTGAAAAGACCAACAGGAAGCCTTC[G>A]CCAGTCCTCATATACTGTTCTCTCATGGCTCCAAACTCTTCTTGTCCTGCTGTATCCAAA-3'
Protein context (NP_036382.2, residues 76-96): GAMREQYMRT[Gly86=]EGFLLVFSVT

ClinVar aggregate classification (germline): Likely benign. Review status: criteria provided, single submitter (1 of 4 stars). 2 submissions from 2 submitters: Likely benign (1). 1 of the submissions does not count toward it. Last evaluated 2022-03-04.

Conditions:
RRAS2-related disorder. Also called: RRAS2-related condition.

Allele frequency attached by ClinVar (database versions not stated): ExAC 0.00001; TOPMed 0.00001.
gnomAD v4.1: 10 of 1,613,626 alleles (0.00062%); highest among the groups gnomAD compares: East Asian, 0.0022%; no homozygotes.

Submissions (2):

Blueprint Genetics
Classification: Likely benign. Last evaluated: 2022-03-04. Review status: criteria provided, single submitter. Criteria: ACMG Guidelines, 2015. Collection method: clinical testing. Allele origin: germline.

PreventionGenetics, part of Exact Sciences
Classification: Likely benign for RRAS2-related condition. Last evaluated: 2021-09-08. Review status: no assertion criteria provided. Collection method: clinical testing. Allele origin: germline. Not counted in ClinVar's aggregate classification.
Comment: This variant is classified as likely benign based on ACMG/AMP sequence variant interpretation guidelines (Richards et al. 2015 PMID: 25741868, with internal and published modifications).